The following is an entry in ClinVar:

NM_001127644.2(GABRA1):c.*1823del

Gene: GABRA1 (gamma-aminobutyric acid type A receptor subunit alpha1; plus strand). Cytogenetic location: 5q34.
Variant type: Deletion.
Coding change: c.*1823del on transcript NM_001127644.2 (MANE Select); 1823 bases downstream of the stop codon, one base deleted (T; older notation c.*1823delT).
Molecular consequence: 3 prime UTR variant.
Genome position (GRCh38, 1-based): chr5:161,899,245, T deleted. VCF-style (leftmost placement, unchanged base first): chr5-161899244-GT-G. GRCh37 (hg19) VCF-style: chr5-161326250-GT-G.
Other names: c.*1823del (NM_000806.5, NM_001127643.2, NM_001127645.2 and 1 more transcripts).
Identifiers: ClinVar variation 2571238 (VCV002571238.27), dbSNP rs770566138, ClinGen allele CA131088136.
Genomic context (GRCh38, chr5:161,899,244, plus strand): 5'-CAAGTCTTGAGCAATGTTTTTCTCAAAAAGCTGCTATCCAATGATATAGGAAAATACATT[GT>G]GTTTTCCTAAACACACTTTTCTTTTTAAATGTGCTTCATTGTTTGATTTGGTCCTGCCTA-3'

ClinVar aggregate classification (germline): Likely benign (1 of 4 stars; one submission).

Allele frequency attached by ClinVar (database versions not stated): 1000 Genomes Project 30x 0.00016; TOPMed 0.00023; gnomAD 0.00036.

Submission:

CeGaT Center for Human Genetics Tuebingen
Classification: Likely benign. Last evaluated: 2023-05-01. Review status: criteria provided, single submitter. Criteria: CeGaT Center For Human Genetics Tuebingen Variant Classification Criteria Version 2. Collection method: clinical testing. Allele origin: germline. Affected: yes. Observed: 1 variant allele.
Comment: GABRA1: BS1